The following is an entry in ClinVar:

NM_016006.6(ABHD5):c.838C>T (p.Arg280Ter)

Gene: ABHD5 (abhydrolase domain containing 5, lysophosphatidic acid acyltransferase; plus strand). Cytogenetic location: 3p21.33.
Variant type: single nucleotide variant.
Coding change: c.838C>T on transcript NM_016006.6 (MANE Select); coding-DNA position 838, C replaced by T.
Protein change: p.Arg280Ter; replaces arginine 280 with a stop codon.
Molecular consequence: nonsense. On other transcripts: non-coding transcript variant (1), intron variant (1).
Genome position (GRCh38, 1-based): chr3:43,717,735, C>T. VCF-style: chr3-43717735-C-T. GRCh37 (hg19) VCF-style: chr3-43759227-C-T.
Other names: c.838C>T, p.Arg280Ter (NM_001355186.2); c.715C>T, p.Arg239Ter (NM_001365649.1); c.774-708C>T (NM_001365650.1); short protein forms R239*, R280*.
Identifiers: ClinVar variation 1323838 (VCV001323838.5), dbSNP rs370301465, ClinGen allele CA352347539.

ClinVar aggregate classification (germline): Pathogenic/Likely pathogenic. Review status: criteria provided, multiple submitters, no conflicts (2 of 4 stars). 2 submissions from 2 submitters: Pathogenic (1); Likely pathogenic (1). Last evaluated 2025-02-09.

Conditions:
Triglyceride storage disease with ichthyosis (CDS). Also called: TRIGLYCERIDE STORAGE DISEASE WITH IMPAIRED LONG-CHAIN FATTY ACID OXIDATION; ICHTHYOSIFORM ERYTHRODERMA WITH LEUKOCYTE VACUOLATION; Dorfman-Chanarin disease; Chanarin-Dorfman Syndrome. Identifiers: Orphanet 98907, MedGen C0268238, MONDO:0010155, OMIM 275630.

Submissions (2):

Labcorp Genetics (formerly Invitae), Labcorp
Classification: Pathogenic. Last evaluated: 2025-02-09. Review status: criteria provided, single submitter. Criteria: Invitae Variant Classification Sherloc (09022015). Collection method: clinical testing. Allele origin: germline.
Comment: This sequence change creates a premature translational stop signal (p.Arg280*) in the ABHD5 gene. It is expected to result in an absent or disrupted protein product. Loss-of-function variants in ABHD5 are known to be pathogenic (PMID: 11590543). This variant is not present in population databases (gnomAD no frequency). This premature translational stop signal has been observed in individual(s) with ABHD5-related conditions (PMID: 26547112). ClinVar contains an entry for this variant (Variation ID: 1323838). Algorithms developed to predict the effect of sequence changes on RNA splicing suggest that this variant may disrupt the consensus splice site. For these reasons, this variant has been classified as Pathogenic.

Revvity Omics, Revvity
Classification: Likely pathogenic for Triglyceride storage disease with ichthyosis. Last evaluated: 2021-04-20. Review status: criteria provided, single submitter. Criteria: ACMG Guidelines, 2015. Collection method: clinical testing. Allele origin: germline.

Literature cited by the submitters: PubMed 11590543 (cited by Labcorp Genetics (formerly Invitae), Labcorp); PubMed 26547112 (cited by Labcorp Genetics (formerly Invitae), Labcorp).